The following is an entry in ClinVar:

NM_004995.4(MMP14):c.22C>T (p.Pro8Ser)

Gene: MMP14 (matrix metallopeptidase 14; plus strand). Cytogenetic location: 14q11.2.
Variant type: single nucleotide variant.
Coding change: c.22C>T on transcript NM_004995.4 (MANE Select); coding-DNA position 22, C replaced by T.
Protein change: p.Pro8Ser; replaces proline 8 with serine.
Molecular consequence: missense variant.
Genome position (GRCh38, 1-based): chr14:22,836,839, C>T. VCF-style: chr14-22836839-C-T. GRCh37 (hg19) VCF-style: chr14-23306048-C-T.
Other names: short protein forms P8S.
Identifiers: ClinVar variation 1279198 (VCV001279198.12), dbSNP rs1042703, ClinGen allele CA7105026.

ClinVar aggregate classification (germline): Benign. Review status: criteria provided, multiple submitters, no conflicts (2 of 4 stars). 4 submissions from 4 submitters: Benign (3). 1 of the submissions does not count toward it. Last evaluated 2026-02-04.

Conditions:
MMP14-related disorder. Also called: MMP14-related condition.

Allele frequency attached by ClinVar (database versions not stated): ESP Exome Variant Server 0.83449; gnomAD exomes 0.84397 and 0.85618; gnomAD 0.84622 and 0.84684; 1000 Genomes Project 30x 0.86633; 1000 Genomes Project 0.86761; TOPMed 0.84571; ExAC 0.85731.
gnomAD v4.1: 1,360,146 of 1,611,232 alleles (84%); highest among the groups gnomAD compares: East Asian, 100%; 575,345 homozygotes.

Submissions (4):

Labcorp Genetics (formerly Invitae), Labcorp
Classification: Benign. Last evaluated: 2026-02-04. Review status: criteria provided, single submitter. Criteria: Invitae Variant Classification Sherloc (09022015). Collection method: clinical testing. Allele origin: germline.

GeneDx
Classification: Benign. Last evaluated: 2019-03-19. Review status: criteria provided, single submitter. Criteria: GeneDx Variant Classification Process June 2021. Collection method: clinical testing. Allele origin: germline. Affected: yes.

Breakthrough Genomics
Classification: Benign. Review status: criteria provided, single submitter. Criteria: ACMG Guidelines, 2015. Collection method: not provided. Allele origin: germline. Inheritance: Unknown mechanism. Affected: yes.

PreventionGenetics, part of Exact Sciences
Classification: Benign for MMP14-related condition. Last evaluated: 2019-09-09. Review status: no assertion criteria provided. Collection method: clinical testing. Allele origin: germline. Not counted in ClinVar's aggregate classification.
Comment: This variant is classified as benign based on ACMG/AMP sequence variant interpretation guidelines (Richards et al. 2015 PMID: 25741868, with internal and published modifications).